The following is an entry in ClinVar:

NM_031935.3(HMCN1):c.15859C>A (p.Gln5287Lys)

Gene: HMCN1 (hemicentin 1; plus strand). Cytogenetic location: 1q31.1.
Variant type: single nucleotide variant.
Coding change: c.15859C>A on transcript NM_031935.3 (MANE Select); coding-DNA position 15859, C replaced by A.
Protein change: p.Gln5287Lys; replaces glutamine 5287 with lysine.
Molecular consequence: missense variant.
Genome position (GRCh38, 1-based): chr1:186,174,558, C>A. VCF-style: chr1-186174558-C-A. GRCh37 (hg19) VCF-style: chr1-186143690-C-A.
Other names: short protein forms Q5287K.
Identifiers: ClinVar variation 2712521 (VCV002712521.3), dbSNP rs750806615, ClinGen allele CA1295409.

ClinVar aggregate classification (germline): Uncertain significance (1 of 4 stars; one submission).

Allele frequency attached by ClinVar (database versions not stated): ExAC 0.00001.

Submission:

Labcorp Genetics (formerly Invitae), Labcorp
Classification: Uncertain significance. Last evaluated: 2023-09-05. Review status: criteria provided, single submitter. Criteria: Invitae Variant Classification Sherloc (09022015). Collection method: clinical testing. Allele origin: germline.
Comment: In summary, the available evidence is currently insufficient to determine the role of this variant in disease. Therefore, it has been classified as a Variant of Uncertain Significance. An algorithm developed to predict the effect of missense changes on protein structure and function (PolyPhen-2) suggests that this variant is likely to be disruptive. This variant has not been reported in the literature in individuals affected with HMCN1-related conditions. This variant is present in population databases (rs750806615, gnomAD 0.006%). This sequence change replaces glutamine, which is neutral and polar, with lysine, which is basic and polar, at codon 5287 of the HMCN1 protein (p.Gln5287Lys).